The following is an entry in ClinVar:

NM_004984.4(KIF5A):c.2541G>T (p.Leu847=)

Gene: KIF5A (kinesin family member 5A; plus strand). Cytogenetic location: 12q13.3.
Variant type: single nucleotide variant.
Coding change: c.2541G>T on transcript NM_004984.4 (MANE Select); coding-DNA position 2541, G replaced by T.
Protein change: p.Leu847=; no amino-acid change (leucine 847 retained).
Molecular consequence: synonymous variant.
Genome position (GRCh38, 1-based): chr12:57,580,958, G>T. VCF-style: chr12-57580958-G-T. GRCh37 (hg19) VCF-style: chr12-57974741-G-T.
Other names: c.2274G>T, p.Leu758= (NM_001354705.2).
Identifiers: ClinVar variation 1339153 (VCV001339153.2), dbSNP rs139023070, ClinGen allele CA6653157.

ClinVar aggregate classification (germline): Uncertain significance (1 of 4 stars; one submission).

Conditions:
Hereditary spastic paraplegia 10 (SPG10). Also called: SPASTIC PARAPLEGIA 10, AUTOSOMAL DOMINANT; SPASTIC PARAPLEGIA 10 WITH OR WITHOUT PERIPHERAL NEUROPATHY; SPASTIC PARAPLEGIA 10 WITH PERIPHERAL NEUROPATHY. Identifiers: Orphanet 100991, MedGen C1858712, MONDO:0011408, OMIM 604187.

Allele frequency attached by ClinVar (database versions not stated): gnomAD exomes below 0.00001; ExAC 0.00001; gnomAD 0.00002 and 0.00003; TOPMed 0.00002; ESP Exome Variant Server 0.00008.
gnomAD v4.1: 10 of 1,613,718 alleles (0.00062%); highest among the groups gnomAD compares: South Asian, 0.0011%; no homozygotes.

Submission:

Neuberg Centre For Genomic Medicine, NCGM
Classification: Uncertain significance for Hereditary spastic paraplegia 10. Review status: criteria provided, single submitter. Criteria: ACMG Guidelines, 2015. Collection method: clinical testing. Allele origin: germline. Affected: yes.
Comment: The synonymous variant p.L847= in KIF5A (NM_004984.4) has not been reported previously as a pathogenic variant nor as a benign variant, to our knowledge. The variant is novel (not in any individuals) in gnomAD Exomes and in 1000 Genomes. The nucleotide c.2541 in KIF5A is predicted conserved by GERP++ and PhyloP across 100 vertebrates. The p.L847= variant is not predicted to disrupt splicing by any splice site algorithm. For these reasons, this variant has been classified as Uncertain Significance.